The following is an entry in ClinVar:

ClinVar aggregate classification (germline): Uncertain significance. Review status: criteria provided, multiple submitters, no conflicts (2 of 4 stars). 2 submissions from 2 submitters: Uncertain significance (2). Last evaluated 2025-08-31.

Allele frequency attached by ClinVar (database versions not stated): ExAC 0.00001.
gnomAD v4.1: 19 of 1,613,854 alleles (0.0012%); highest among the groups gnomAD compares: African/African-American, 0.013%; no homozygotes.

Submissions (2):

Labcorp Genetics (formerly Invitae), Labcorp
Classification: Uncertain significance. Last evaluated: 2025-08-31. Review status: criteria provided, single submitter. Criteria: Invitae Variant Classification Sherloc (09022015). Collection method: clinical testing. Allele origin: germline.
Comment: This sequence change replaces aspartic acid, which is acidic and polar, with valine, which is neutral and non-polar, at codon 1295 of the C3 protein (p.Asp1295Val). This variant is present in population databases (rs369027752, gnomAD 0.007%). This variant has not been reported in the literature in individuals affected with C3-related conditions. ClinVar contains an entry for this variant (Variation ID: 1511840). Invitae Evidence Modeling of protein sequence and biophysical properties (such as structural, functional, and spatial information, amino acid conservation, physicochemical variation, residue mobility, and thermodynamic stability) has been performed for this missense variant. However, the output from this modeling did not meet the statistical confidence thresholds required to predict the impact of this variant on C3 protein function. In summary, the available evidence is currently insufficient to determine the role of this variant in disease. Therefore, it has been classified as a Variant of Uncertain Significance.

Mayo Clinic Laboratories, Mayo Clinic
Classification: Uncertain significance. Last evaluated: 2024-04-26. Review status: criteria provided, single submitter. Criteria: ACMG Guidelines, 2015. Collection method: clinical testing. Allele origin: germline. Observed: 1 variant allele.
Comment: BP4, PM2

NM_000064.4(C3):c.3884A>T (p.Asp1295Val)

Gene: C3 (complement C3; minus strand). Cytogenetic location: 19p13.3.
Variant type: single nucleotide variant.
Coding change: c.3884A>T on transcript NM_000064.4 (MANE Select); coding-DNA position 3884, A replaced by T.
Protein change: p.Asp1295Val; replaces aspartic acid 1295 with valine.
Molecular consequence: missense variant.
Genome position (GRCh38, 1-based): chr19:6,685,073, T>A on the plus strand (A>T on the coding strand, the complement: C3 is on the minus strand). VCF-style: chr19-6685073-T-A. GRCh37 (hg19) VCF-style: chr19-6685084-T-A.
Other names: p.Asp1295Val; short protein forms D1295V.
Identifiers: ClinVar variation 1511840 (VCV001511840.7), dbSNP rs369027752, ClinGen allele CA9128603.
Genomic context (GRCh38, chr19:6,685,073, plus strand): 5'-GATTCCCAGTGGATACGGTGGGTGATCTTGGAGCTGCGGCTGGGCAGTTGGAGGGACACA[T>A]CAAGGTTCAGTTCCTGGTGGTCAGGGGCGTCCTTTTGGTATTGAGCCAAGGCTTGGAACA-3'
Protein context (NP_000055.2, residues 1285-1305): DAPDHQELNL[Asp1295Val]VSLQLPSRSS